The following is an entry in ClinVar:

ClinVar aggregate classification (germline): Uncertain significance. Review status: criteria provided, multiple submitters, no conflicts (2 of 4 stars). 5 submissions from 5 submitters: Uncertain significance (5). Last evaluated 2024-12-12.

Conditions:
Hereditary cancer-predisposing syndrome. Also called: Hereditary neoplastic syndrome; Neoplastic Syndromes, Hereditary; Tumor predisposition; Hereditary Cancer Syndrome. Identifiers: Orphanet 140162, MedGen C0027672, MeSH D009386, MONDO:0015356.
Familial cancer of breast. Also called: BREAST CANCER, FAMILIAL; Hereditary breast cancer; hereditary breast carcinoma. Identifiers: Orphanet 227535, MedGen C0346153, MONDO:0016419, OMIM 114480. Disease mechanism: loss of function.

Submissions (5):

Labcorp Genetics (formerly Invitae), Labcorp
Classification: Uncertain significance for Familial cancer of breast. Last evaluated: 2024-12-12. Review status: criteria provided, single submitter. Criteria: Invitae Variant Classification Sherloc (09022015). Collection method: clinical testing. Allele origin: germline.
Comment: This sequence change replaces cysteine, which is neutral and slightly polar, with phenylalanine, which is neutral and non-polar, at codon 419 of the PALB2 protein (p.Cys419Phe). This variant is not present in population databases (gnomAD no frequency). This variant has not been reported in the literature in individuals affected with PALB2-related conditions. ClinVar contains an entry for this variant (Variation ID: 246408). Invitae Evidence Modeling of protein sequence and biophysical properties (such as structural, functional, and spatial information, amino acid conservation, physicochemical variation, residue mobility, and thermodynamic stability) indicates that this missense variant is not expected to disrupt PALB2 protein function with a negative predictive value of 80%. In summary, the available evidence is currently insufficient to determine the role of this variant in disease. Therefore, it has been classified as a Variant of Uncertain Significance.

Ambry Genetics
Classification: Uncertain significance for Hereditary cancer-predisposing syndrome. Last evaluated: 2024-01-12. Review status: criteria provided, single submitter. Criteria: Ambry Variant Classification Scheme 2023. Collection method: clinical testing. Allele origin: germline.
Comment: The p.C419F variant (also known as c.1256G>T), located in coding exon 4 of the PALB2 gene, results from a G to T substitution at nucleotide position 1256. The cysteine at codon 419 is replaced by phenylalanine, an amino acid with highly dissimilar properties. This amino acid position is conserved. In addition, this alteration is predicted to be tolerated by in silico analysis. Since supporting evidence is limited at this time, the clinical significance of this alteration remains unclear.

Sema4
Classification: Uncertain significance for Hereditary cancer-predisposing syndrome. Last evaluated: 2022-01-23. Review status: criteria provided, single submitter. Criteria: Sema4 Curation Guidelines. Collection method: curation. Allele origin: germline.
Comment: The PALB2 c.1256G>T (p.C419F) variant has been reported in an individual with an unspecified advanced cancer (PMID: 28873162). It was not observed in the large and broad cohorts of the Genome Aggregation Database (PMID: 32461654). The variant has been reported in ClinVar (Variation ID 246408). In silico tools suggest the impact of the variant on protein function is benign, though these predictions have not been confirmed by functional studies. The evidence is insufficient to meet ACMG/AMP criteria for classifying the variant as benign or pathogenic. Thus, the clinical significance of this variant is currently uncertain.

Quest Diagnostics Nichols Institute San Juan Capistrano
Classification: Uncertain significance. Last evaluated: 2021-03-09. Review status: criteria provided, single submitter. Criteria: Quest Diagnostics criteria. Collection method: clinical testing. Allele origin: unknown.

GeneDx
Classification: Uncertain significance. Last evaluated: 2016-02-11. Review status: criteria provided, single submitter. Criteria: GeneDx Variant Classification (06012015). Collection method: clinical testing. Allele origin: germline. Affected: yes.
Comment: This variant is denoted PALB2 c.1256G>T at the cDNA level, p.Cys419Phe (C419F) at the protein level, and results in the change of a Cysteine to a Phenylalanine (TGC>TTC). This variant has not, to our knowledge, been published in the literature as pathogenic or benign. PALB2 Cys419Phe was not observed in approximately 6,500 individuals of European and African American ancestry in the NHLBI Exome Sequencing Project, suggesting it is not a common benign variant in these populations. Since Cysteine and Phenylalanine differ in polarity, charge, size or other properties, this is considered a non-conservative amino acid substitution. PALB2 Cys419Phe occurs at a position that is not conserved and is located in the DNA binding region and Chromatin-association motif (ChAM) that mediates nucleosome association (UniProt). In silico analyses are inconsistent regarding the effect this variant may have on protein structure and function. Based on currently available evidence, it is unclear whether PALB2 Cys419Phe is a pathogenic or benign variant. We consider it to be a variant of uncertain significance.

Literature cited by the submitters: PubMed 28873162 (cited by Sema4 and Quest Diagnostics Nichols Institute San Juan Capistrano).

NM_024675.4(PALB2):c.1256G>T (p.Cys419Phe)

Gene: PALB2 (partner and localizer of BRCA2; minus strand). Cytogenetic location: 16p12.2.
Variant type: single nucleotide variant.
Coding change: c.1256G>T on transcript NM_024675.4 (MANE Select); coding-DNA position 1256, G replaced by T.
Protein change: p.Cys419Phe; replaces cysteine 419 with phenylalanine.
Molecular consequence: missense variant.
Genome position (GRCh38, 1-based): chr16:23,635,290, C>A on the plus strand (G>T on the coding strand, the complement: PALB2 is on the minus strand). VCF-style: chr16-23635290-C-A. GRCh37 (hg19) VCF-style: chr16-23646611-C-A.
Other names: short protein forms C419F.
Identifiers: ClinVar variation 246408 (VCV000246408.18), dbSNP rs866387173, ClinGen allele CA10584521.